The following is an entry in ClinVar:

ClinVar aggregate classification (germline): Likely pathogenic. Review status: criteria provided, multiple submitters, no conflicts (2 of 4 stars). 2 submissions from 2 submitters: Likely pathogenic (2). Last evaluated 2025-08-04.

Conditions:
UV-sensitive syndrome 3 (UVSS3). Identifiers: Orphanet 178338, MedGen C3553328, MONDO:0013834, OMIM 614640.

Submissions (2):

First Genomix Gene Laboratory, Genetic Diagnostics Department
Classification: Likely pathogenic for UV-sensitive syndrome 3. Last evaluated: 2025-08-04. Review status: criteria provided, single submitter. Criteria: ACMG Guidelines, 2015. Collection method: clinical testing. Allele origin: germline. Inheritance: Autosomal recessive inheritance. Affected: no. Observed: 1 variant allele.

Diagnostics Services (NGS), CSIR - Centre For Cellular And Molecular Biology
Classification: Likely pathogenic for UV-sensitive syndrome 3. Last evaluated: 2024-11-08. Review status: criteria provided, single submitter. Criteria: ACMG Guidelines, 2015. Collection method: clinical testing. Allele origin: unknown. Affected: no. Observed: 1 variant allele, 1 heterozygote.
Comment: The c.-2_12dup variation is not present in 1000 Genomes, EVS, Indian Exome Database, or our in-house exome database. The variant is present in gnomAD and ExAC at low frequencies. This variant has neither been published in literature for UVSSA-related conditions nor reported to the clinical databases like ClinVar, OMIM, or HGMD, in any affected individuals. In-silico pathogenicity prediction programs like MutationTaster2, CADD, Varsome, Franklin, etc. predicted this variant to be likely deleterious.

NM_020894.4(UVSSA):c.-2_12dup (p.Leu5fs)

Gene: UVSSA (UV stimulated scaffold protein A; plus strand). Cytogenetic location: 4p16.3.
Variant type: Duplication.
Coding change: c.-2_12dup on transcript NM_020894.4 (MANE Select); 2 bases upstream of the start codon through coding-DNA position 12, 14 bases duplicated (ATATGGATCAGAAA).
Protein change: p.Leu5fs; shifts the reading frame from leucine 5.
Molecular consequence: frameshift variant, initiator codon variant.
Genome position (GRCh38, 1-based): chr4:1,348,090-1,348,103, ATATGGATCAGAAA duplicated. VCF-style (leftmost placement, unchanged base first): chr4-1348089-G-GATATGGATCAGAAA. GRCh37 (hg19) VCF-style: chr4-1341877-G-GATATGGATCAGAAA.
Other names: c.-2_12dupATATGGATCAGAAA (NM_020894.4); c.-2_12dup, p.Leu5fs (NM_001317934.2, NM_001317935.2); short protein forms L5fs.
Identifiers: ClinVar variation 3383367 (VCV003383367.2).
Genomic context (GRCh38, chr4:1,348,089, plus strand): 5'-TAACACCGAGAGCTATAAAATACAGATGGTGATATAGCATCTCTGCCTTACTTATTTCTA[G>GATATGGATCAGAAA]ATATGGATCAGAAACTTTCGAAGTTGGTAGAAGAGCTCACAACTTCAGGAGAACCCCGAC-3'